The following is an entry in ClinVar:

NM_020693.4(DSCAML1):c.3212G>A (p.Arg1071Gln)

Gene: DSCAML1 (DS cell adhesion molecule like 1; minus strand). Cytogenetic location: 11q23.3.
Variant type: single nucleotide variant.
Coding change: c.3212G>A on transcript NM_020693.4 (MANE Select); coding-DNA position 3212, G replaced by A.
Protein change: p.Arg1071Gln; replaces arginine 1071 with glutamine.
Molecular consequence: missense variant.
Genome position (GRCh38, 1-based): chr11:117,464,995, C>T on the plus strand (G>A on the coding strand, the complement: DSCAML1 is on the minus strand). VCF-style: chr11-117464995-C-T. GRCh37 (hg19) VCF-style: chr11-117335711-C-T.
Other names: short protein forms R1071Q.
Identifiers: ClinVar variation 1524884 (VCV001524884.6), dbSNP rs753409238, ClinGen allele CA229368337.
Genomic context (GRCh38, chr11:117,464,995, plus strand): 5'-CCCTCACCATCCTCCAGAGTGGTGGCATTGATCTCGCTGGAAGAGGGCCCCGTGCCAGCC[C>T]GATTGAAGGCTTGGACCACCACCCCATACTGGGCGAACTTCTTGAGGTTGTCCAGGGTGT-3'
Protein context (NP_065744.3, residues 1061-1081): QYGVVVQAFN[Arg1071Gln]AGTGPSSSEI

ClinVar aggregate classification (germline): Uncertain significance (1 of 4 stars; one submission).

Allele frequency attached by ClinVar (database versions not stated): gnomAD exomes below 0.00001 and 0.00002; TOPMed below 0.00001.
gnomAD v4.1: 8 of 1,614,088 alleles (0.0005%); highest among the groups gnomAD compares: South Asian, 0.0011%; no homozygotes.

Submission:

Labcorp Genetics (formerly Invitae), Labcorp
Classification: Uncertain significance. Last evaluated: 2025-03-04. Review status: criteria provided, single submitter. Criteria: Invitae Variant Classification Sherloc (09022015). Collection method: clinical testing. Allele origin: germline.
Comment: This sequence change replaces arginine, which is basic and polar, with glutamine, which is neutral and polar, at codon 1131 of the DSCAML1 protein (p.Arg1131Gln). This variant is present in population databases (no rsID available, gnomAD 0.003%). This variant has not been reported in the literature in individuals affected with DSCAML1-related conditions. ClinVar contains an entry for this variant (Variation ID: 1524884). An algorithm developed to predict the effect of missense changes on protein structure and function (PolyPhen-2) suggests that this variant is likely to be tolerated. In summary, the available evidence is currently insufficient to determine the role of this variant in disease. Therefore, it has been classified as a Variant of Uncertain Significance.